The following is an entry in ClinVar:

ClinVar aggregate classification (germline): Pathogenic/Likely pathogenic. Review status: criteria provided, multiple submitters, no conflicts (2 of 4 stars). 6 submissions from 6 submitters: Pathogenic (4); Likely pathogenic (1). 1 of the submissions does not count toward it. Last evaluated 2024-03-12.

Conditions:
TUBB3-related tubulinopathy. Identifiers: MedGen CN322634, MONDO:0100154.
TUBB3-related disorder. Also called: TUBB3-related condition; TUBB3-related disorders.
Fibrosis of extraocular muscles, congenital, 3A, with or without extraocular involvement. Also called: CONGENITAL FIBROSIS OF EXTRAOCULAR MUSCLES 3A; FEOM3 LOCUS. Identifiers: MedGen C2748801, MONDO:0010912, OMIM 600638.
Complex cortical dysplasia with other brain malformations 1. Identifiers: Orphanet 300570, MedGen C3808397, MONDO:0013541, OMIM 614039.

Allele frequency attached by ClinVar (database versions not stated): TOPMed below 0.00001; gnomAD exomes below 0.00001.
gnomAD v4.1: 1 of 1,614,116 alleles (0.000062%); highest among the groups gnomAD compares: Non-Finnish European, 0.000085%; no homozygotes.

Submissions (6):

Broad Center for Mendelian Genomics, Broad Institute of MIT and Harvard
Classification: Pathogenic for TUBB3-related tubulinopathy. Last evaluated: 2024-03-12. Review status: criteria provided, single submitter. Criteria: ACMG Guidelines, 2015. Collection method: curation. Allele origin: germline. Inheritance: Autosomal dominant inheritance.
Comment: Trio genome analysis showed this variant to be de novo. The p.Gly71Arg variant in TUBB3 has been previously reported in 3 unrelated individuals with congenital fibrosis of the extraocular muscles and malformations of cortical brain development (PMID: 26639658). The number of reported affected individuals with this variant is slightly greater than expected compared to non-affected individuals with this variant. This variant was found to be de novo in these 3 individuals with confirmed paternity and maternity (PMID: 26639658). This variant has also been reported in ClinVar (Variation ID: 219255) and has been interpreted as pathogenic by GeneDx. This variant was absent from large population studies. The number of missense variants reported in TUBB3 in the general population is lower than expected, suggesting there is little benign variation in this gene and slightly increasing the possibility that a missense variant in this gene may not be tolerated. One additional likely pathogenic variant, resulting in a different amino acid change at the same position, p.Gly71Ala, has been reported in association with disease in ClinVar, slightly supporting that a change at this position may not be tolerated (Variation ID: 1338328). Computational prediction tools and conservation analyses do not provide strong support for or against an impact to the protein. In summary, this variant meets criteria to be classified as pathogenic for autosomal dominant congenital fibrosis of the extraocular muscles with or without extraocular involvement. ACMG/AMP Criteria applied: PS2_VeryStrong, PS4_Supporting, PM2_Supporting, PM5_supporting, PP2 (Richards 2015).

Greenwood Genetic Center Diagnostic Laboratories, Greenwood Genetic Center
Classification: Pathogenic for TUBB3-related disorder. Last evaluated: 2024-02-02. Review status: criteria provided, single submitter. Criteria: ACMG Guidelines, 2015. Collection method: clinical testing. Allele origin: germline. Affected: yes.
Comment: PS2, PS4, PM2, PP2

Laboratoire de Génétique Moléculaire, CHU Bordeaux
Classification: Likely pathogenic for Complex cortical dysplasia with other brain malformations 1. Last evaluated: 2023-10-12. Review status: criteria provided, single submitter. Criteria: ACMG Guidelines, 2015. Collection method: clinical testing. Allele origin: germline. Affected: yes.

GeneDx
Classification: Pathogenic. Last evaluated: 2023-04-11. Review status: criteria provided, single submitter. Criteria: GeneDx Variant Classification Process June 2021. Collection method: clinical testing. Allele origin: germline. Affected: yes.
Comment: Not observed at significant frequency in large population cohorts (gnomAD); Missense variants in this gene are often considered pathogenic (HGMD); In silico analysis supports that this missense variant has a deleterious effect on protein structure/function; This variant is associated with the following publications: (PMID: 26639658, 27535533, 34562182, 33921132, 36494820)

Blueprint Genetics
Classification: Pathogenic for TUBB3-related disorders. Last evaluated: 2022-11-15. Review status: criteria provided, single submitter. Criteria: ACMG Guidelines, 2015. Collection method: clinical testing. Allele origin: germline. Affected: yes. Observed: 1 variant allele.

GeneReviews
No classification provided. Condition: Fibrosis of extraocular muscles, congenital, 3A, with or without extraocular involvement. Review status: no classification provided. Collection method: literature only. Allele origin: germline. Not counted in ClinVar's aggregate classification.

Literature cited by the submitters: PubMed 39033378 (cited by Broad Center for Mendelian Genomics, Broad Institute of MIT and Harvard); PubMed 26639658 (cited by GeneReviews); PubMed 20301522 (cited by GeneReviews).

NM_006086.4(TUBB3):c.211G>A (p.Gly71Arg)

Gene: TUBB3 (tubulin beta 3 class III; plus strand). Cytogenetic location: 16q24.3.
Variant type: single nucleotide variant.
Coding change: c.211G>A on transcript NM_006086.4 (MANE Select); coding-DNA position 211, G replaced by A.
Protein change: p.Gly71Arg; replaces glycine 71 with arginine.
Molecular consequence: missense variant. On other transcripts: 5 prime UTR variant (1).
Genome position (GRCh38, 1-based): chr16:89,933,512, G>A. VCF-style: chr16-89933512-G-A. GRCh37 (hg19) VCF-style: chr16-89999920-G-A.
Other names: NM_006086.4(TUBB3):c.211G>A; c.-6G>A (NM_001197181.2); short protein forms G71R.
Identifiers: ClinVar variation 219255 (VCV000219255.10), dbSNP rs864321715, ClinGen allele CA347960.